The following is an entry in ClinVar:

NM_001142800.2(EYS):c.8784A>G (p.Ile2928Met)

Genes: EYS (EGF-like photoreceptor maintenance factor; minus strand), PHF3 (PHD finger protein 3; plus strand). Cytogenetic location: 6q12.
Variant type: single nucleotide variant.
Coding change: c.8784A>G on transcript NM_001142800.2 (MANE Select); coding-DNA position 8784, A replaced by G.
Protein change: p.Ile2928Met; replaces isoleucine 2928 with methionine.
Molecular consequence: missense variant. On other transcripts: 3 prime UTR variant (5).
Genome position (GRCh38, 1-based): chr6:63,721,247, T>C on the plus strand (A>G on the coding strand, the complement: EYS is on the minus strand). VCF-style: chr6-63721247-T-C. GRCh37 (hg19) VCF-style: chr6-64431143-T-C.
Other names: c.8847A>G, p.Ile2949Met (NM_001292009.2); c.*7539T>C (NM_001370348.2, NM_001370349.2, NM_001370350.2 and 2 more transcripts); short protein forms I2928M, I2949M.
Identifiers: ClinVar variation 1715392 (VCV001715392.5), dbSNP rs2533389791, ClinGen allele CA364383981.

ClinVar aggregate classification (germline): Uncertain significance (1 of 4 stars; one submission).

Submission:

Labcorp Genetics (formerly Invitae), Labcorp
Classification: Uncertain significance. Last evaluated: 2022-08-06. Review status: criteria provided, single submitter. Criteria: Invitae Variant Classification Sherloc (09022015). Collection method: clinical testing. Allele origin: germline.
Comment: Algorithms developed to predict the effect of missense changes on protein structure and function are either unavailable or do not agree on the potential impact of this missense change (SIFT: "Deleterious"; PolyPhen-2: "Possibly Damaging"; Align-GVGD: "Class C0"). In summary, the available evidence is currently insufficient to determine the role of this variant in disease. Therefore, it has been classified as a Variant of Uncertain Significance. This sequence change replaces isoleucine, which is neutral and non-polar, with methionine, which is neutral and non-polar, at codon 2928 of the EYS protein (p.Ile2928Met). This variant is not present in population databases (gnomAD no frequency). This variant has not been reported in the literature in individuals affected with EYS-related conditions.